The following is an entry in ClinVar:

ClinVar aggregate classification (germline): Uncertain significance (1 of 4 stars; one submission).

Allele frequency attached by ClinVar (database versions not stated): gnomAD 0.00012; ESP Exome Variant Server 0.00015; 1000 Genomes Project 30x 0.00016; TOPMed 0.00018; 1000 Genomes Project 0.00020; ExAC 0.00050.
gnomAD v4.1: 291 of 1,573,966 alleles (0.018%); highest among the groups gnomAD compares: Non-Finnish European, 0.022%; no homozygotes.

Submission:

Labcorp Genetics (formerly Invitae), Labcorp
Classification: Uncertain significance. Last evaluated: 2022-02-19. Review status: criteria provided, single submitter. Criteria: Invitae Variant Classification Sherloc (09022015). Collection method: clinical testing. Allele origin: germline.
Comment: This sequence change replaces arginine, which is basic and polar, with tryptophan, which is neutral and slightly polar, at codon 567 of the CAPN1 protein (p.Arg567Trp). This variant is present in population databases (rs200944311, gnomAD 0.03%). This variant has not been reported in the literature in individuals affected with CAPN1-related conditions. Algorithms developed to predict the effect of missense changes on protein structure and function (SIFT, PolyPhen-2, Align-GVGD) all suggest that this variant is likely to be disruptive. In summary, the available evidence is currently insufficient to determine the role of this variant in disease. Therefore, it has been classified as a Variant of Uncertain Significance.

NM_005186.4(CAPN1):c.1699C>T (p.Arg567Trp)

Gene: CAPN1 (calpain 1; plus strand). Cytogenetic location: 11q13.1.
Variant type: single nucleotide variant.
Coding change: c.1699C>T on transcript NM_005186.4 (MANE Select); coding-DNA position 1699, C replaced by T.
Protein change: p.Arg567Trp; replaces arginine 567 with tryptophan.
Molecular consequence: missense variant. On other transcripts: non-coding transcript variant (1).
Genome position (GRCh38, 1-based): chr11:65,208,232, C>T. VCF-style: chr11-65208232-C-T. GRCh37 (hg19) VCF-style: chr11-64975703-C-T.
Other names: c.1699C>T, p.Arg567Trp (NM_001198868.2, NM_001198869.2); c.1537C>T, p.Arg513Trp (NM_001198870.1); short protein forms R567W, R513W.
Identifiers: ClinVar variation 2056799 (VCV002056799.1), dbSNP rs200944311, ClinGen allele CA6093513.